The following is an entry in ClinVar:

ClinVar aggregate classification (germline): Uncertain significance (1 of 4 stars; one submission).

Conditions:
Cardiomyopathy (CMYO). Also called: Cardiomyopathies. Identifiers: Orphanet 167848, MedGen C0878544, MONDO:0004994, HP:0001638. Inheritance: Various modes of inheritance.

gnomAD v4.1: 1 of 1,564,646 alleles (0.000064%); highest among the groups gnomAD compares: Non-Finnish European, 0.000087%; no homozygotes.

Submission:

Color Diagnostics, LLC DBA Color Health
Classification: Uncertain significance for Cardiomyopathy. Last evaluated: 2025-07-03. Review status: criteria provided, single submitter. Criteria: ACMG Guidelines, 2015. Collection method: clinical testing. Allele origin: germline.
Comment: This variant causes a C to T nucleotide substitution at the -3 position of intron 3 of the TNNT2 gene. To our knowledge, functional studies have not been reported for this variant. This variant has been reported in an individual affected with hypertrophic cardiomyopathy (PMID: 25351510). This variant has not been identified in the general population by the Genome Aggregation Database (gnomAD). The available evidence is insufficient to determine the role of this variant in disease conclusively. Therefore, this variant is classified as a Variant of Uncertain Significance.

Literature cited by the submitters: PubMed 25351510.

NM_001276345.2(TNNT2):c.53-3C>T

Gene: TNNT2 (troponin T2, cardiac type; minus strand). Cytogenetic location: 1q32.1.
Variant type: single nucleotide variant.
Coding change: c.53-3C>T on transcript NM_001276345.2 (MANE Select); 3 bases into the intron before coding-DNA position 53, C replaced by T.
Molecular consequence: intron variant.
Genome position (GRCh38, 1-based): chr1:201,372,044, G>A on the plus strand (C>T on the coding strand, the complement: TNNT2 is on the minus strand). VCF-style: chr1-201372044-G-A. GRCh37 (hg19) VCF-style: chr1-201341172-G-A.
Other names: c.53-3C>T (NM_001276347.2, NM_001406723.1, NM_001406727.1 and 7 more transcripts); c.52+101C>T (NM_001001432.3, NM_001406728.1).
Identifiers: ClinVar variation 4757551 (VCV004757551.1).